The following is an entry in ClinVar:

ClinVar aggregate classification (germline): Pathogenic (1 of 4 stars; one submission).

Conditions:
Dyskeratosis congenita, autosomal recessive 6 (DKCB6). Identifiers: MedGen C4225356, MONDO:0014600, OMIM 616353.
Pulmonary fibrosis and/or bone marrow failure, Telomere-related, 4. Also called: PULMONARY FIBROSIS AND/OR BONE MARROW FAILURE SYNDROME, TELOMERE-RELATED, 4. Identifiers: Orphanet 2032, MedGen C4225347, MONDO:0014612, OMIM 616371.

Submission:

Labcorp Genetics (formerly Invitae), Labcorp
Classification: Pathogenic for Dyskeratosis congenita, autosomal recessive 6; Pulmonary fibrosis and/or bone marrow failure, Telomere-related, 4. Last evaluated: 2023-12-10. Review status: criteria provided, single submitter. Criteria: Invitae Variant Classification Sherloc (09022015). Collection method: clinical testing. Allele origin: unknown.
Comment: This variant is a gross deletion of the genomic region encompassing exon(s) 1-6 of the PARN gene, which includes the initiator codon. This deletion extends beyond the assayed region for this gene and therefore may encompass additional genes. It is expected to result in an absent or disrupted protein product. Loss-of-function variants in PARN are known to be pathogenic (PMID: 9736620, 25848748, 26810774). This variant has not been reported in the literature in individuals affected with PARN-related conditions. For these reasons, this variant has been classified as Pathogenic.

Literature cited by the submitters: PubMed 9736620; PubMed 25848748; PubMed 26810774.

NC_000016.9:g.(?_14711427)_(14724045_?)del

Gene: PARN (poly(A)-specific ribonuclease; minus strand). Cytogenetic location: 16p13.12.
Variant type: Deletion.
Identifiers: ClinVar variation 3243540 (VCV003243540.1).